The following is an entry in ClinVar:

ClinVar aggregate classification (germline): Conflicting classifications of pathogenicity. Review status: criteria provided, conflicting classifications (1 of 4 stars). 2 submissions from 2 submitters: Uncertain significance (1); Likely benign (1). Last evaluated 2023-08-30.

Conditions:
Hereditary nonpolyposis colorectal neoplasms. Identifiers: MedGen C0009405, MeSH D003123.
Hereditary cancer-predisposing syndrome. Also called: Tumor predisposition; Hereditary Cancer Syndrome; Hereditary neoplastic syndrome; Neoplastic Syndromes, Hereditary. Identifiers: Orphanet 140162, MedGen C0027672, MeSH D009386, MONDO:0015356.

Allele frequency attached by ClinVar (database versions not stated): gnomAD exomes below 0.00001 and 0.00001.
gnomAD v4.1: 3 of 1,614,118 alleles (0.00019%); highest among the groups gnomAD compares: South Asian, 0.0033%; no homozygotes.

Submissions (2):

Labcorp Genetics (formerly Invitae), Labcorp
Classification: Likely benign for Hereditary nonpolyposis colorectal neoplasms. Last evaluated: 2023-08-30. Review status: criteria provided, single submitter. Criteria: Invitae Variant Classification Sherloc (09022015). Collection method: clinical testing. Allele origin: germline.

Ambry Genetics
Classification: Uncertain significance for Hereditary cancer-predisposing syndrome. Last evaluated: 2020-08-04. Review status: criteria provided, single submitter. Criteria: Ambry Variant Classification Scheme 2023. Collection method: clinical testing. Allele origin: germline.
Comment: The p.L1091V variant (also known as c.3271C>G), located in coding exon 5 of the MSH6 gene, results from a C to G substitution at nucleotide position 3271. The leucine at codon 1091 is replaced by valine, an amino acid with highly similar properties. This amino acid position is highly conserved in available vertebrate species. In addition, the in silico prediction for this alteration is inconclusive. Since supporting evidence is limited at this time, the clinical significance of this alteration remains unclear.

NM_000179.3(MSH6):c.3271C>G (p.Leu1091Val)

Gene: MSH6 (mutS homolog 6; plus strand). Cytogenetic location: 2p16.3.
Variant type: single nucleotide variant.
Coding change: c.3271C>G on transcript NM_000179.3 (MANE Select); coding-DNA position 3271, C replaced by G.
Protein change: p.Leu1091Val; replaces leucine 1091 with valine.
Molecular consequence: missense variant.
Genome position (GRCh38, 1-based): chr2:47,803,518, C>G. VCF-style: chr2-47803518-C-G. GRCh37 (hg19) VCF-style: chr2-48030657-C-G.
Other names: c.2881C>G, p.Leu961Val (NM_001281492.2); c.2365C>G, p.Leu789Val (NM_001281493.2, NM_001281494.2); short protein forms L1091V, L789V, L961V.
Identifiers: ClinVar variation 410461 (VCV000410461.12), dbSNP rs1060502914, ClinGen allele CA16610935.